The following is an entry in ClinVar:

ClinVar aggregate classification (germline): Uncertain significance (1 of 4 stars; one submission).

Conditions:
Brugada syndrome. Also called: Sudden unexpected nocturnal death syndrome; Sudden unexplained nocturnal death syndrome; Sudden Unexplained Death Syndrome; Sudden Unexplained Nocturnal Death Syndrome (SUNDS). Identifiers: Orphanet 130, MedGen C1142166, MONDO:0015263.

Allele frequency attached by ClinVar (database versions not stated): gnomAD below 0.00001 and 0.00001; TOPMed below 0.00001; gnomAD exomes 0.00001.
gnomAD v4.1: 10 of 1,614,024 alleles (0.00062%); highest among the groups gnomAD compares: East Asian, 0.0022%; no homozygotes.

Submission:

Labcorp Genetics (formerly Invitae), Labcorp
Classification: Uncertain significance for Brugada syndrome. Last evaluated: 2021-08-27. Review status: criteria provided, single submitter. Criteria: Invitae Variant Classification Sherloc (09022015). Collection method: clinical testing. Allele origin: germline.
Comment: This sequence change replaces aspartic acid with asparagine at codon 1740 of the SCN10A protein (p.Asp1740Asn). The aspartic acid residue is moderately conserved and there is a small physicochemical difference between aspartic acid and asparagine. This variant is not present in population databases (ExAC no frequency). This variant has not been reported in the literature in individuals affected with SCN10A-related conditions. Algorithms developed to predict the effect of missense changes on protein structure and function are either unavailable or do not agree on the potential impact of this missense change (SIFT: "Deleterious"; PolyPhen-2: "Probably Damaging"; Align-GVGD: "Class C0"). In summary, the available evidence is currently insufficient to determine the role of this variant in disease. Therefore, it has been classified as a Variant of Uncertain Significance.

NM_006514.4(SCN10A):c.5218G>A (p.Asp1740Asn)

Gene: SCN10A (sodium voltage-gated channel alpha subunit 10; minus strand). Cytogenetic location: 3p22.2.
Variant type: single nucleotide variant.
Coding change: c.5218G>A on transcript NM_006514.4 (MANE Select); coding-DNA position 5218, G replaced by A.
Protein change: p.Asp1740Asn; replaces aspartic acid 1740 with asparagine.
Molecular consequence: missense variant.
Genome position (GRCh38, 1-based): chr3:38,698,002, C>T on the plus strand (G>A on the coding strand, the complement: SCN10A is on the minus strand). VCF-style: chr3-38698002-C-T. GRCh37 (hg19) VCF-style: chr3-38739493-C-T.
Other names: c.5215G>A, p.Asp1739Asn (NM_001293306.2); c.4924G>A, p.Asp1642Asn (NM_001293307.2); short protein forms D1740N, D1642N, D1739N.
Identifiers: ClinVar variation 848386 (VCV000848386.3), dbSNP rs1445722582, ClinGen allele CA352154251.
Genomic context (GRCh38, chr3:38,698,002, plus strand): 5'-TAATAAACTGAGTGGCCTCTGGGTCAAACTTCTCCCAGGTCTCATAGAACATGTCAAAGT[C>T]GTCCTCACTCAGGGGCTCAGTGCTCTCCTCCGTGGCCACATTGAAGTTCTCCAGAATCAC-3'
Protein context (NP_006505.4, residues 1730-1750): EESTEPLSED[Asp1740Asn]FDMFYETWEK